The following is an entry in ClinVar:

ClinVar aggregate classification (germline): Pathogenic/Likely pathogenic. Review status: criteria provided, multiple submitters, no conflicts (2 of 4 stars). 3 submissions from 3 submitters: Pathogenic (1); Likely pathogenic (2). Last evaluated 2026-04-30.

Conditions:
PDE6C-related disorder. Also called: PDE6C-related condition.

Allele frequency attached by ClinVar (database versions not stated): gnomAD 0.00001.
gnomAD v4.1: 4 of 1,603,900 alleles (0.00025%); highest among the groups gnomAD compares: Admixed American, 0.0067%; no homozygotes.

Submissions (3):

PreventionGenetics, part of Exact Sciences
Classification: Likely pathogenic for PDE6C-related condition. Last evaluated: 2026-04-30. Review status: criteria provided, single submitter. Criteria: ACMG Guidelines, 2015. Collection method: clinical testing. Allele origin: germline.
Comment: The PDE6C c.939+2T>G variant is predicted to disrupt the GT donor site and interfere with normal splicing. This variant has been reported in the compound heterozygous state along with a second causative PDE6C variant in an individual with cone-rode dystrophy (Daich Varela et al. 2020. PubMed ID: 33001157). This variant is reported in 0.0058% of alleles in individuals of Latino descent in gnomAD. Variants that disrupt a consensus splice donor site in PDE6C are expected to be pathogenic. This variant is predicted to result in an in-frame transcript. Another variant impacting the same canonical splice site, c.939+2T>C, has also been reported in a cohort of individuals with achromatopsia (Supplementary Table 1, Sun et al. 2020. PubMed ID: 32913385). This variant is interpreted as likely pathogenic.

GeneDx
Classification: Likely pathogenic. Last evaluated: 2025-05-17. Review status: criteria provided, single submitter. Criteria: GeneDx Variant Classification Process June 2021. Collection method: clinical testing. Allele origin: germline. Affected: yes.
Comment: Canonical splice site variant predicted to result in an in-frame loss of the adjacent exon in a gene for which loss of function is a known mechanism of disease; This variant is associated with the following publications: (PMID: 31964843, 33001157)

Labcorp Genetics (formerly Invitae), Labcorp
Classification: Pathogenic. Last evaluated: 2023-07-06. Review status: criteria provided, single submitter. Criteria: Invitae Variant Classification Sherloc (09022015). Collection method: clinical testing. Allele origin: germline.
Comment: Algorithms developed to predict the effect of sequence changes on RNA splicing suggest that this variant may disrupt the consensus splice site. For these reasons, this variant has been classified as Pathogenic. ClinVar contains an entry for this variant (Variation ID: 1454710). Disruption of this splice site has been observed in individuals with inherited retinal dystrophy (PMID: 32913385; Invitae). This variant is present in population databases (no rsID available, gnomAD 0.006%). This sequence change affects a donor splice site in intron 5 of the PDE6C gene. It is expected to disrupt RNA splicing. Variants that disrupt the donor or acceptor splice site typically lead to a loss of protein function (PMID: 16199547), and loss-of-function variants in PDE6C are known to be pathogenic (PMID: 19887631, 23776498, 26103963, 30080950).

Literature cited by the submitters: PubMed 32913385 (cited by Labcorp Genetics (formerly Invitae), Labcorp); PubMed 16199547 (cited by Labcorp Genetics (formerly Invitae), Labcorp); PubMed 19887631 (cited by Labcorp Genetics (formerly Invitae), Labcorp); PubMed 23776498 (cited by Labcorp Genetics (formerly Invitae), Labcorp); PubMed 26103963 (cited by Labcorp Genetics (formerly Invitae), Labcorp); PubMed 30080950 (cited by Labcorp Genetics (formerly Invitae), Labcorp).

NM_006204.4(PDE6C):c.939+2T>G

Gene: PDE6C (phosphodiesterase 6C; plus strand). Cytogenetic location: 10q23.33.
Variant type: single nucleotide variant.
Coding change: c.939+2T>G on transcript NM_006204.4 (MANE Select); the canonical splice donor site of the intron after coding-DNA position 939, T replaced by G.
Molecular consequence: splice donor variant.
Genome position (GRCh38, 1-based): chr10:93,625,651, T>G. VCF-style: chr10-93625651-T-G. GRCh37 (hg19) VCF-style: chr10-95385408-T-G.
Other names: c.939+2T>G (NM_006204.3).
Identifiers: ClinVar variation 1454710 (VCV001454710.9), dbSNP rs1328017393, ClinGen allele CA377630866.